The following is an entry in ClinVar:

ClinVar aggregate classification (germline): Uncertain significance (1 of 4 stars; one submission).

Submission:

GeneDx
Classification: Uncertain significance. Last evaluated: 2025-01-06. Review status: criteria provided, single submitter. Criteria: GeneDx Variant Classification Process June 2021. Collection method: clinical testing. Allele origin: germline. Affected: yes.
Comment: Not observed at significant frequency in large population cohorts (gnomAD); In silico analysis indicates that this missense variant does not alter protein structure/function; Has not been previously published as pathogenic or benign to our knowledge

NM_018489.3(ASH1L):c.5545A>G (p.Arg1849Gly)

Gene: ASH1L (ASH1 like histone lysine methyltransferase; minus strand). Cytogenetic location: 1q22.
Variant type: single nucleotide variant.
Coding change: c.5545A>G on transcript NM_018489.3 (MANE Select); coding-DNA position 5545, A replaced by G.
Protein change: p.Arg1849Gly; replaces arginine 1849 with glycine.
Molecular consequence: missense variant.
Genome position (GRCh38, 1-based): chr1:155,438,610, T>C on the plus strand (A>G on the coding strand, the complement: ASH1L is on the minus strand). VCF-style: chr1-155438610-T-C. GRCh37 (hg19) VCF-style: chr1-155408401-T-C.
Other names: c.5545A>G, p.Arg1849Gly (NM_001366177.2); short protein forms R1849G.
Identifiers: ClinVar variation 4056056 (VCV004056056.1).